The following is an entry in ClinVar:

NM_006206.6(PDGFRA):c.1018C>G (p.Arg340Gly)

Gene: PDGFRA (platelet derived growth factor receptor alpha; plus strand). Cytogenetic location: 4q12.
Variant type: single nucleotide variant.
Coding change: c.1018C>G on transcript NM_006206.6 (MANE Select); coding-DNA position 1018, C replaced by G.
Protein change: p.Arg340Gly; replaces arginine 340 with glycine.
Molecular consequence: missense variant.
Genome position (GRCh38, 1-based): chr4:54,267,638, C>G. VCF-style: chr4-54267638-C-G. GRCh37 (hg19) VCF-style: chr4-55133805-C-G.
Other names: c.1018C>G, p.Arg340Gly (NM_001347827.2, NM_001347829.2); c.1093C>G, p.Arg365Gly (NM_001347828.2); c.1057C>G, p.Arg353Gly (NM_001347830.2); short protein forms R353G, R365G, R340G.
Identifiers: ClinVar variation 2587731 (VCV002587731.2), dbSNP rs376626935, ClinGen allele CA356891621.

ClinVar aggregate classification (germline): Uncertain significance (1 of 4 stars; one submission).

Conditions:
Hereditary cancer-predisposing syndrome. Also called: Tumor predisposition; Hereditary Cancer Syndrome; Hereditary neoplastic syndrome; Neoplastic Syndromes, Hereditary. Identifiers: Orphanet 140162, MedGen C0027672, MeSH D009386, MONDO:0015356.

Submission:

Ambry Genetics
Classification: Uncertain significance for Hereditary cancer-predisposing syndrome. Last evaluated: 2023-09-12. Review status: criteria provided, single submitter. Criteria: Ambry Variant Classification Scheme 2023. Collection method: clinical testing. Allele origin: germline.
Comment: The p.R340G variant (also known as c.1018C>G), located in coding exon 6 of the PDGFRA gene, results from a C to G substitution at nucleotide position 1018. The arginine at codon 340 is replaced by glycine, an amino acid with dissimilar properties. This amino acid position is conserved. In addition, this alteration is predicted to be tolerated by in silico analysis. Since supporting evidence is limited at this time, the clinical significance of this alteration remains unclear.